The following is an entry in ClinVar:

ClinVar aggregate classification (germline): Pathogenic (1 of 4 stars; one submission).

Conditions:
Mucopolysaccharidosis type 1. Also called: IDUA deficiency; MPS I; Mucopolysaccharidosis Type I. Identifiers: Orphanet 579, MedGen C0023786, MONDO:0001586.

Submission:

Labcorp Genetics (formerly Invitae), Labcorp
Classification: Pathogenic for Mucopolysaccharidosis type 1. Last evaluated: 2024-11-23. Review status: criteria provided, single submitter. Criteria: Invitae Variant Classification Sherloc (09022015). Collection method: clinical testing. Allele origin: germline.
Comment: This sequence change replaces cysteine, which is neutral and slightly polar, with arginine, which is basic and polar, at codon 241 of the IDUA protein (p.Cys241Arg). This variant is not present in population databases (gnomAD no frequency). This missense change has been observed in individual(s) with mucopolysaccharidosis type I (PMID: 28604952). In at least one individual the data is consistent with being in trans (on the opposite chromosome) from a pathogenic variant. Invitae Evidence Modeling of protein sequence and biophysical properties (such as structural, functional, and spatial information, amino acid conservation, physicochemical variation, residue mobility, and thermodynamic stability) indicates that this missense variant is expected to disrupt IDUA protein function with a positive predictive value of 95%. For these reasons, this variant has been classified as Pathogenic.

Literature cited by the submitters: PubMed 28604952.

NM_000203.5(IDUA):c.721T>C (p.Cys241Arg)

Gene: IDUA (alpha-L-iduronidase; plus strand). Cytogenetic location: 4p16.3.
Variant type: single nucleotide variant.
Coding change: c.721T>C on transcript NM_000203.5 (MANE Select); coding-DNA position 721, T replaced by C.
Protein change: p.Cys241Arg; replaces cysteine 241 with arginine.
Molecular consequence: missense variant. On other transcripts: non-coding transcript variant (1).
Genome position (GRCh38, 1-based): chr4:1,001,810, T>C. VCF-style: chr4-1001810-T-C. GRCh37 (hg19) VCF-style: chr4-995598-T-C.
Other names: c.325T>C, p.Cys109Arg (NM_001363576.1); short protein forms C241R, C109R.
Identifiers: ClinVar variation 3720559 (VCV003720559.2).